The following is an entry in ClinVar:

NM_001128431.4(SLC39A14):c.156C>T (p.Gly52=)

Gene: SLC39A14 (solute carrier family 39 member 14; plus strand). Cytogenetic location: 8p21.3.
Variant type: single nucleotide variant.
Coding change: c.156C>T on transcript NM_001128431.4 (MANE Select); coding-DNA position 156, C replaced by T.
Protein change: p.Gly52=; no amino-acid change (glycine 52 retained).
Molecular consequence: synonymous variant.
Genome position (GRCh38, 1-based): chr8:22,404,866, C>T. VCF-style: chr8-22404866-C-T. GRCh37 (hg19) VCF-style: chr8-22262379-C-T.
Other names: p.Gly52=; c.156C>T, p.Gly52= (NM_001135153.3, NM_001135154.3, NM_001351655.2 and 3 more transcripts); c.186C>T, p.Gly62= (NM_001351657.2, NM_001351658.2, NM_001351659.2).
Identifiers: ClinVar variation 1290406 (VCV001290406.15), dbSNP rs33999442, ClinGen allele CA4667231.

ClinVar aggregate classification (germline): Benign/Likely benign. Review status: criteria provided, multiple submitters, no conflicts (2 of 4 stars). 6 submissions from 6 submitters: Benign (5); Likely benign (1). Last evaluated 2026-02-04.

Allele frequency attached by ClinVar (database versions not stated): 1000 Genomes Project 0.16514; 1000 Genomes Project 30x 0.16880; TOPMed 0.17066; gnomAD exomes 0.17594; ExAC 0.17734; gnomAD 0.17952 and 0.18025; ESP Exome Variant Server 0.18215.
gnomAD v4.1: 299,330 of 1,613,622 alleles (19%); highest among the groups gnomAD compares: Non-Finnish European, 19%; 28,170 homozygotes.

Submissions (13):

Labcorp Genetics (formerly Invitae), Labcorp
Classification: Benign. Last evaluated: 2026-02-04. Review status: criteria provided, single submitter. Criteria: Invitae Variant Classification Sherloc (09022015). Collection method: clinical testing. Allele origin: germline.

Blueprint Genetics
Classification: Likely benign. Last evaluated: 2024-11-27. Review status: criteria provided, single submitter. Criteria: ACMG Guidelines, 2015. Collection method: clinical testing. Allele origin: germline.

Unidad de Genómica Garrahan, Hospital de Pediatría Garrahan
Classification: Benign. Last evaluated: 2024-07-31. Review status: criteria provided, single submitter. Criteria: ACMG Guidelines, 2015. Collection method: clinical testing. Allele origin: germline. Affected: no. Observed: 24 variant alleles.
Comment: This variant is classified as Benign based on local population frequency. This variant was detected in 26% of patients studied in a panel designed for Epileptic and Developmental Encephalopathy, Progressive Myoclonus Epilepsy and Abnormal Movements and Neurodegeneration with brain iron accumulation. Number of patients: 24. Only high quality variants are reported.

Mayo Clinic Laboratories, Mayo Clinic
Classification: Benign. Last evaluated: 2022-03-24. Review status: criteria provided, single submitter. Criteria: ACMG Guidelines, 2015. Collection method: clinical testing. Allele origin: germline. Observed: 206 variant alleles.

GeneDx
Classification: Benign. Last evaluated: 2021-05-04. Review status: criteria provided, single submitter. Criteria: GeneDx Variant Classification Process June 2021. Collection method: clinical testing. Allele origin: germline. Affected: yes.

Breakthrough Genomics
Classification: Benign. Review status: criteria provided, single submitter. Criteria: ACMG Guidelines, 2015. Collection method: not provided. Allele origin: germline. Inheritance: Autosomal recessive inheritance. Affected: yes.

Dr. Peter K. Rogan Lab, Western University
No classification provided (evidence only). Condition: Malignant lymphoma, large B-cell, diffuse. Review status: no classification provided. Collection method: in vitro. Allele origin: not applicable. Functional consequence: retained intron. Not counted in ClinVar's aggregate classification.

Dr. Peter K. Rogan Lab, Western University
No classification provided (evidence only). Condition: Malignant lymphoma, large B-cell, diffuse. Review status: no classification provided. Collection method: in vitro. Allele origin: not applicable. Functional consequence: skipped exon. Not counted in ClinVar's aggregate classification.

Dr. Peter K. Rogan Lab, Western University
No classification provided (evidence only). Condition: Malignant lymphoma, large B-cell, diffuse. Review status: no classification provided. Collection method: in vitro. Allele origin: not applicable. Functional consequence: retained intron. Not counted in ClinVar's aggregate classification.

Dr. Peter K. Rogan Lab, Western University
No classification provided (evidence only). Condition: Hepatocellular carcinoma. Review status: no classification provided. Collection method: in vitro. Allele origin: not applicable. Functional consequence: retained intron. Not counted in ClinVar's aggregate classification.

Dr. Peter K. Rogan Lab, Western University
No classification provided (evidence only). Condition: Hepatocellular carcinoma. Review status: no classification provided. Collection method: in vitro. Allele origin: not applicable. Functional consequence: skipped exon. Not counted in ClinVar's aggregate classification.

Dr. Peter K. Rogan Lab, Western University
No classification provided (evidence only). Condition: Hepatocellular carcinoma. Review status: no classification provided. Collection method: in vitro. Allele origin: not applicable. Functional consequence: skipped exon. Not counted in ClinVar's aggregate classification.

Dr. Peter K. Rogan Lab, Western University
No classification provided (evidence only). Condition: Hepatocellular carcinoma. Review status: no classification provided. Collection method: in vitro. Allele origin: not applicable. Functional consequence: skipped exon, retained intron. Not counted in ClinVar's aggregate classification.